The following is an entry in ClinVar:

NM_006000.3(TUBA4A):c.960T>A (p.Arg320=)

Gene: TUBA4A (tubulin alpha 4a; minus strand). Cytogenetic location: 2q35.
Variant type: single nucleotide variant.
Coding change: c.960T>A on transcript NM_006000.3 (MANE Select); coding-DNA position 960, T replaced by A.
Protein change: p.Arg320=; no amino-acid change (arginine 320 retained).
Molecular consequence: synonymous variant.
Genome position (GRCh38, 1-based): chr2:219,250,739, A>T on the plus strand (T>A on the coding strand, the complement: TUBA4A is on the minus strand). VCF-style: chr2-219250739-A-T. GRCh37 (hg19) VCF-style: chr2-220115461-A-T.
Other names: c.915T>A, p.Arg305= (NM_001278552.2).
Identifiers: ClinVar variation 3354064 (VCV003354064.1).

ClinVar aggregate classification (germline): Likely benign (0 of 4 stars; one submission).

Conditions:
TUBA4A-related disorder. Also called: TUBA4A-related condition.

Submission:

PreventionGenetics, part of Exact Sciences
Classification: Likely benign for TUBA4A-related condition. Last evaluated: 2023-10-03. Review status: no assertion criteria provided. Collection method: clinical testing. Allele origin: germline.
Comment: This variant is classified as likely benign based on ACMG/AMP sequence variant interpretation guidelines (Richards et al. 2015 PMID: 25741868, with internal and published modifications).